The following is an entry in ClinVar:

NM_003835.4(RGS9):c.1867C>T (p.Arg623Ter)

Gene: RGS9 (regulator of G protein signaling 9; plus strand). Cytogenetic location: 17q24.1.
Variant type: single nucleotide variant.
Coding change: c.1867C>T on transcript NM_003835.4 (MANE Select); coding-DNA position 1867, C replaced by T.
Protein change: p.Arg623Ter; replaces arginine 623 with a stop codon.
Molecular consequence: nonsense.
Genome position (GRCh38, 1-based): chr17:65,225,461, C>T. VCF-style: chr17-65225461-C-T. GRCh37 (hg19) VCF-style: chr17-63221579-C-T.
Other names: c.1858C>T, p.Arg620Ter (NM_001081955.3); short protein forms R620*, R623*.
Identifiers: ClinVar variation 1284843 (VCV001284843.10), dbSNP rs370466986, ClinGen allele CA8718164.
Genomic context (GRCh38, chr17:65,225,461, plus strand): 5'-TGCCCTGCTGTGTCCCACGGGAGGGTGCAGCCCCTGGGGGACGTGGGCCAGCAGCTGCCA[C>T]GATTGAAATCCAAGAGAGTAGCAAAGTAAGAACCCGAAGGGGACGTGCCGTATGCATGGG-3'

ClinVar aggregate classification (germline): Uncertain significance. Review status: criteria provided, multiple submitters, no conflicts (2 of 4 stars). 5 submissions from 5 submitters: Uncertain significance (3). 2 of the submissions do not count toward it. Last evaluated 2024-01-19.

Conditions:
Bradyopsia. Identifiers: Orphanet 75374, MedGen C1842073, MONDO:0012033, HP:0030511.

Allele frequency attached by ClinVar (database versions not stated): ESP Exome Variant Server 0.00008.

Submissions (5):

Labcorp Genetics (formerly Invitae), Labcorp
Classification: Uncertain significance. Last evaluated: 2024-01-19. Review status: criteria provided, single submitter. Criteria: Invitae Variant Classification Sherloc (09022015). Collection method: clinical testing. Allele origin: germline.
Comment: This sequence change creates a premature translational stop signal (p.Arg623*) in the RGS9 gene. While this is not anticipated to result in nonsense mediated decay, it is expected to disrupt the last 52 amino acid(s) of the RGS9 protein. This variant is present in population databases (rs370466986, gnomAD 0.01%). This variant has not been reported in the literature in individuals affected with RGS9-related conditions. ClinVar contains an entry for this variant (Variation ID: 1284843). Experimental studies and prediction algorithms are not available or were not evaluated, and the functional significance of this variant is currently unknown. In summary, the available evidence is currently insufficient to determine the role of this variant in disease. Therefore, it has been classified as a Variant of Uncertain Significance.

Blueprint Genetics
Classification: Uncertain significance. Last evaluated: 2023-12-12. Review status: criteria provided, single submitter. Criteria: ACMG Guidelines, 2015. Collection method: clinical testing. Allele origin: germline.

Fulgent Genetics
Classification: Uncertain significance for Prolonged electroretinal response suppression 1. Last evaluated: 2022-03-01. Review status: criteria provided, single submitter. Criteria: ACMG Guidelines, 2015. Collection method: clinical testing. Allele origin: unknown.

Clinical Genetics DNA and cytogenetics Diagnostics Lab, Erasmus MC, Erasmus Medical Center
Classification: Uncertain significance. Review status: no assertion criteria provided. Collection method: clinical testing. Allele origin: germline. Affected: yes. Study: VKGL Data-share Consensus. Not counted in ClinVar's aggregate classification.

Clinical Genetics, Academic Medical Center
Classification: Uncertain significance. Review status: no assertion criteria provided. Collection method: clinical testing. Allele origin: germline. Affected: yes. Study: VKGL Data-share Consensus. Not counted in ClinVar's aggregate classification.